The following is an entry in ClinVar:

ClinVar aggregate classification (germline): Uncertain significance (1 of 4 stars; one submission).

Conditions:
Xeroderma pigmentosum, group F (XPF). Also called: XERODERMA PIGMENTOSUM, COMPLEMENTATION GROUP F; XERODERMA PIGMENTOSUM VI; XP, GROUP F; ERCC4-Related Xeroderma Pigmentosum; XERODERMA PIGMENTOSUM, TYPE F; Xeroderma pigmentosum, type 6. Identifiers: MedGen C0268140, MONDO:0010215, OMIM 278760.
Cockayne syndrome. Identifiers: Orphanet 191, MedGen C0009207, MONDO:0016006.
Fanconi anemia complementation group Q. Identifiers: Orphanet 84, MedGen C3808988, MONDO:0014108, OMIM 615272.

Allele frequency attached by ClinVar (database versions not stated): TOPMed 0.00001.

Submission:

Labcorp Genetics (formerly Invitae), Labcorp
Classification: Uncertain significance for Fanconi anemia complementation group Q; Xeroderma pigmentosum, group F; Cockayne syndrome. Last evaluated: 2022-09-23. Review status: criteria provided, single submitter. Criteria: Invitae Variant Classification Sherloc (09022015). Collection method: clinical testing. Allele origin: germline.
Comment: This sequence change replaces arginine, which is basic and polar, with histidine, which is basic and polar, at codon 153 of the ERCC4 protein (p.Arg153His). This variant is present in population databases (rs121913050, gnomAD 0.01%). This missense change has been observed in individual(s) with acute myelogeneous leukemia, colorectal cancer (PMID: 27356891, 32868804). Advanced modeling of protein sequence and biophysical properties (such as structural, functional, and spatial information, amino acid conservation, physicochemical variation, residue mobility, and thermodynamic stability) performed at Invitae indicates that this missense variant is expected to disrupt ERCC4 protein function. In summary, the available evidence is currently insufficient to determine the role of this variant in disease. Therefore, it has been classified as a Variant of Uncertain Significance.

Literature cited by the submitters: PubMed 27356891; PubMed 32868804.

NM_005236.3(ERCC4):c.458G>A (p.Arg153His)

Gene: ERCC4 (ERCC excision repair 4, endonuclease catalytic subunit; plus strand). Cytogenetic location: 16p13.12.
Variant type: single nucleotide variant.
Coding change: c.458G>A on transcript NM_005236.3 (MANE Select); coding-DNA position 458, G replaced by A.
Protein change: p.Arg153His; replaces arginine 153 with histidine.
Molecular consequence: missense variant.
Genome position (GRCh38, 1-based): chr16:13,926,630, G>A. VCF-style: chr16-13926630-G-A. GRCh37 (hg19) VCF-style: chr16-14020487-G-A.
Other names: short protein forms R153H.
Identifiers: ClinVar variation 2416015 (VCV002416015.3), dbSNP rs121913050, ClinGen allele CA7910205.